The following is an entry in ClinVar:

ClinVar aggregate classification (germline): Conflicting classifications of pathogenicity. Review status: criteria provided, conflicting classifications (1 of 4 stars). 8 submissions from 6 submitters: Uncertain significance (6); Benign (1); Likely benign (1). Last evaluated 2025-10-06.

Conditions:
Hereditary spherocytosis type 3. Also called: Spherocytosis type 3; SPTA1-Related Spherocytosis. Identifiers: Orphanet 822, MedGen C2678338, MONDO:0010053, OMIM 270970.
Elliptocytosis 2 (EL2). Also called: ELLIPTOCYTOSIS, RHESUS-UNLINKED TYPE. Identifiers: Orphanet 288, MedGen C1851741, MONDO:0007533, OMIM 130600.
Pyropoikilocytosis, hereditary. Also called: Pyropoikilocytosis. Identifiers: MedGen C0520739, MONDO:0009948, OMIM 266140, HP:0004839. Disease mechanism: loss of function.

Allele frequency attached by ClinVar (database versions not stated): gnomAD exomes 0.00006 and 0.00012; 1000 Genomes Project 0.00040; TOPMed 0.00066; gnomAD 0.00061 and 0.00068; ExAC 0.00012; ESP Exome Variant Server 0.00042; 1000 Genomes Project 30x 0.00047.
gnomAD v4.1: 195 of 1,613,966 alleles (0.012%); highest among the groups gnomAD compares: African/African-American, 0.23%; no homozygotes.

Submissions (8):

Labcorp Genetics (formerly Invitae), Labcorp
Classification: Benign. Last evaluated: 2025-10-06. Review status: criteria provided, single submitter. Criteria: Invitae Variant Classification Sherloc (09022015). Collection method: clinical testing. Allele origin: germline.

Mayo Clinic Laboratories, Mayo Clinic
Classification: Uncertain significance. Last evaluated: 2024-10-16. Review status: criteria provided, single submitter. Criteria: ACMG Guidelines, 2015. Collection method: clinical testing. Allele origin: germline. Observed: 1 variant allele.
Comment: BP4

Blueprint Genetics
Classification: Uncertain significance. Last evaluated: 2024-03-04. Review status: criteria provided, single submitter. Criteria: ACMG Guidelines, 2015. Collection method: clinical testing. Allele origin: germline.

Revvity Omics, Revvity
Classification: Likely benign. Last evaluated: 2024-01-17. Review status: criteria provided, single submitter. Criteria: ACMG Guidelines, 2015. Collection method: clinical testing. Allele origin: germline.

ARUP Laboratories, Molecular Genetics and Genomics, ARUP Laboratories
Classification: Uncertain significance. Last evaluated: 2023-11-22. Review status: criteria provided, single submitter. Criteria: ARUP Molecular Germline Variant Investigation Process 2024. Collection method: clinical testing. Allele origin: germline.

Illumina Laboratory Services, Illumina
Classification: Uncertain significance for Elliptocytosis 2. Last evaluated: 2018-01-13. Review status: criteria provided, single submitter. Criteria: ICSL Variant Classification Criteria 13 December 2019. Collection method: clinical testing. Allele origin: germline.

Illumina Laboratory Services, Illumina
Classification: Uncertain significance for Pyropoikilocytosis, hereditary. Last evaluated: 2018-01-13. Review status: criteria provided, single submitter. Criteria: ICSL Variant Classification Criteria 13 December 2019. Collection method: clinical testing. Allele origin: germline.

Illumina Laboratory Services, Illumina
Classification: Uncertain significance for Hereditary spherocytosis type 3. Last evaluated: 2018-01-13. Review status: criteria provided, single submitter. Criteria: ICSL Variant Classification Criteria 13 December 2019. Collection method: clinical testing. Allele origin: germline.

NM_003126.4(SPTA1):c.4862T>A (p.Phe1621Tyr)

Gene: SPTA1 (spectrin alpha, erythrocytic 1; minus strand). Cytogenetic location: 1q23.1.
Variant type: single nucleotide variant.
Coding change: c.4862T>A on transcript NM_003126.4 (MANE Select); coding-DNA position 4862, T replaced by A.
Protein change: p.Phe1621Tyr; replaces phenylalanine 1621 with tyrosine.
Molecular consequence: missense variant.
Genome position (GRCh38, 1-based): chr1:158,639,883, A>T on the plus strand (T>A on the coding strand, the complement: SPTA1 is on the minus strand). VCF-style: chr1-158639883-A-T. GRCh37 (hg19) VCF-style: chr1-158609673-A-T.
Other names: p.Phe1621Tyr; short protein forms F1621Y.
Identifiers: ClinVar variation 875289 (VCV000875289.18), dbSNP rs374298000, ClinGen allele CA1182538.